The following is an entry in ClinVar:

NM_020987.5(ANK3):c.8713C>G (p.Arg2905Gly)

Gene: ANK3 (ankyrin 3; minus strand). Cytogenetic location: 10q21.2.
Variant type: single nucleotide variant.
Coding change: c.8713C>G on transcript NM_020987.5 (MANE Select); coding-DNA position 8713, C replaced by G.
Protein change: p.Arg2905Gly; replaces arginine 2905 with glycine.
Molecular consequence: missense variant. On other transcripts: intron variant (4).
Genome position (GRCh38, 1-based): chr10:60,072,168, G>C on the plus strand (C>G on the coding strand, the complement: ANK3 is on the minus strand). VCF-style: chr10-60072168-G-C. GRCh37 (hg19) VCF-style: chr10-61831926-G-C.
Other names: c.4388-4159C>G (NM_001204403.2); c.4409-4159C>G (NM_001204404.2); c.4406-4159C>G (NM_001320874.2); c.1808-4159C>G (NM_001149.4); short protein forms R2905G.
Identifiers: ClinVar variation 3541197 (VCV003541197.2).

ClinVar aggregate classification (germline): Uncertain significance. Review status: criteria provided, multiple submitters, no conflicts (2 of 4 stars). 2 submissions from 2 submitters: Uncertain significance (2). Last evaluated 2025-12-24.

Conditions:
Inborn genetic diseases. Identifiers: MedGen C0950123, MeSH D030342.

gnomAD v4.1: 2 of 1,613,704 alleles (0.00012%); highest among the groups gnomAD compares: Admixed American, 0.0033%; no homozygotes.

Submissions (2):

Labcorp Genetics (formerly Invitae), Labcorp
Classification: Uncertain significance. Last evaluated: 2025-12-24. Review status: criteria provided, single submitter. Criteria: Invitae Variant Classification Sherloc (09022015). Collection method: clinical testing. Allele origin: germline.
Comment: This sequence change replaces arginine, which is basic and polar, with glycine, which is neutral and non-polar, at codon 2905 of the ANK3 protein (p.Arg2905Gly). This variant is present in population databases (no rsID available, gnomAD 0.003%). This variant has not been reported in the literature in individuals affected with ANK3-related conditions. ClinVar contains an entry for this variant (Variation ID: 3541197). An algorithm developed to predict the effect of missense changes on protein structure and function (PolyPhen-2) suggests that this variant is likely to be tolerated. In summary, the available evidence is currently insufficient to determine the role of this variant in disease. Therefore, it has been classified as a Variant of Uncertain Significance.

Ambry Genetics
Classification: Uncertain significance for Inborn genetic diseases. Last evaluated: 2024-11-26. Review status: criteria provided, single submitter. Criteria: Ambry Variant Classification Scheme 2023. Collection method: clinical testing. Allele origin: germline.